The following is an entry in ClinVar:

ClinVar aggregate classification (germline): Pathogenic. Review status: criteria provided, single submitter (1 of 4 stars). 3 submissions from 3 submitters: Pathogenic (1). 2 of the submissions do not count toward it. Last evaluated 2024-06-22.

Conditions:
NBAS-related disorder. Also called: NBAS-related condition.
Infantile liver failure syndrome 2 (ILFS2). Identifiers: MedGen C3809651, MONDO:0014659, OMIM 616483.

Allele frequency attached by ClinVar (database versions not stated): ExAC 0.00001; gnomAD exomes 0.00001 and 0.00002.
gnomAD v4.1: 5 of 1,613,984 alleles (0.00031%); highest among the groups gnomAD compares: Admixed American, 0.005%; no homozygotes.

Submissions (3):

Labcorp Genetics (formerly Invitae), Labcorp
Classification: Pathogenic. Last evaluated: 2024-06-22. Review status: criteria provided, single submitter. Criteria: Invitae Variant Classification Sherloc (09022015). Collection method: clinical testing. Allele origin: germline.
Comment: This sequence change creates a premature translational stop signal (p.Trp583*) in the NBAS gene. It is expected to result in an absent or disrupted protein product. Loss-of-function variants in NBAS are known to be pathogenic (PMID: 26073778, 26541327, 27789416, 28031453). This variant is present in population databases (rs770446752, gnomAD 0.006%). This premature translational stop signal has been observed in individual(s) with NBAS-related conditions (PMID: 28576691). It has also been observed to segregate with disease in related individuals. ClinVar contains an entry for this variant (Variation ID: 424842). For these reasons, this variant has been classified as Pathogenic.

PreventionGenetics, part of Exact Sciences
Classification: Pathogenic for NBAS-related condition. Last evaluated: 2023-10-19. Review status: no assertion criteria provided. Collection method: clinical testing. Allele origin: germline. Not counted in ClinVar's aggregate classification.
Comment: The NBAS c.1749G>A variant is predicted to result in premature protein termination (p.Trp583*). This variant has been reported in the compound heterozygous state in two siblings with recurrent elevated liver transaminases and acute liver failure (Regateiro et al 2017. PubMed ID: 28576691). This variant is reported in 0.0058% of alleles in individuals of Latino descent in gnomAD. Nonsense variants in NBAS are expected to be pathogenic. This variant is interpreted as pathogenic.

Laboratory of Jean-Laurent Casanova, The Rockefeller University
Classification: Pathogenic for Infantile liver failure syndrome 2. Review status: no assertion criteria provided. Collection method: clinical testing. Allele origin: germline. Inheritance: Autosomal recessive inheritance. Affected: yes. Observed: 2 compound heterozygotes. Not counted in ClinVar's aggregate classification.

Literature cited by the submitters: PubMed 26073778 (cited by Labcorp Genetics (formerly Invitae), Labcorp); PubMed 26541327 (cited by Labcorp Genetics (formerly Invitae), Labcorp); PubMed 27789416 (cited by Labcorp Genetics (formerly Invitae), Labcorp); PubMed 28031453 (cited by Labcorp Genetics (formerly Invitae), Labcorp); PubMed 28576691 (cited by Labcorp Genetics (formerly Invitae), Labcorp and Laboratory of Jean-Laurent Casanova, The Rockefeller University).

NM_015909.4(NBAS):c.1749G>A (p.Trp583Ter)

Gene: NBAS (NBAS subunit of NRZ tethering complex; minus strand). Cytogenetic location: 2p24.3.
Variant type: single nucleotide variant.
Coding change: c.1749G>A on transcript NM_015909.4 (MANE Select); coding-DNA position 1749, G replaced by A.
Protein change: p.Trp583Ter; replaces tryptophan 583 with a stop codon.
Molecular consequence: nonsense. On other transcripts: non-coding transcript variant (1).
Genome position (GRCh38, 1-based): chr2:15,468,510, C>T on the plus strand (G>A on the coding strand, the complement: NBAS is on the minus strand). VCF-style: chr2-15468510-C-T. GRCh37 (hg19) VCF-style: chr2-15608634-C-T.
Other names: short protein forms W583*.
Identifiers: ClinVar variation 424842 (VCV000424842.8), dbSNP rs770446752, ClinGen allele CA1536556.